The following is an entry in ClinVar:

NM_001083961.2(WDR62):c.866A>G (p.Lys289Arg)

Gene: WDR62 (WD repeat domain 62; plus strand). Cytogenetic location: 19q13.12.
Variant type: single nucleotide variant.
Coding change: c.866A>G on transcript NM_001083961.2 (MANE Select); coding-DNA position 866, A replaced by G.
Protein change: p.Lys289Arg; replaces lysine 289 with arginine.
Molecular consequence: missense variant.
Genome position (GRCh38, 1-based): chr19:36,067,994, A>G. VCF-style: chr19-36067994-A-G. GRCh37 (hg19) VCF-style: chr19-36558896-A-G.
Other names: c.866A>G, p.Lys289Arg (NM_173636.5); short protein forms K289R.
Identifiers: ClinVar variation 160308 (VCV000160308.25), dbSNP rs12327568, ClinGen allele CA173947.

ClinVar aggregate classification (germline): Benign/Likely benign. Review status: criteria provided, multiple submitters, no conflicts (2 of 4 stars). 8 submissions from 8 submitters: Benign (5); Likely benign (3). Last evaluated 2026-01-27.

Conditions:
Microcephaly 2, primary, autosomal recessive, with or without cortical malformations. Also called: MICROCEPHALY 2, PRIMARY, AUTOSOMAL RECESSIVE, WITH CORTICAL MALFORMATIONS; WDR62 Primary Microcephaly. Identifiers: Orphanet 2512, MedGen C1858535, MONDO:0011435, OMIM 604317.

Allele frequency attached by ClinVar (database versions not stated): gnomAD exomes 0.00045 and 0.00115; ExAC 0.00164; ESP Exome Variant Server 0.00438; gnomAD 0.00459 and 0.00494; TOPMed 0.00509; 1000 Genomes Project 0.00679; 1000 Genomes Project 30x 0.00828.
gnomAD v4.1: 1,373 of 1,613,976 alleles (0.085%); highest among the groups gnomAD compares: African/African-American, 1.6%; 11 homozygotes.

Submissions (9):

Labcorp Genetics (formerly Invitae), Labcorp
Classification: Benign. Last evaluated: 2026-01-27. Review status: criteria provided, single submitter. Criteria: Invitae Variant Classification Sherloc (09022015). Collection method: clinical testing. Allele origin: germline.

Blueprint Genetics
Classification: Likely benign. Last evaluated: 2024-10-16. Review status: criteria provided, single submitter. Criteria: ACMG Guidelines, 2015. Collection method: clinical testing. Allele origin: germline.

Genome-Nilou Lab
Classification: Benign for Microcephaly 2, primary, autosomal recessive, with or without cortical malformations. Last evaluated: 2021-12-05. Review status: criteria provided, single submitter. Criteria: ACMG Guidelines, 2015. Collection method: clinical testing. Allele origin: germline. Affected: no.

GeneDx
Classification: Benign. Last evaluated: 2019-03-29. Review status: criteria provided, single submitter. Criteria: GeneDx Variant Classification Process June 2021. Collection method: clinical testing. Allele origin: germline. Affected: yes.

Illumina Laboratory Services, Illumina
Classification: Benign for Microcephaly 2, primary, autosomal recessive, with or without cortical malformations. Last evaluated: 2018-01-13. Review status: criteria provided, single submitter. Criteria: ICSL Variant Classification Criteria 13 December 2019. Collection method: clinical testing. Allele origin: germline.
Comment: This variant was observed in the ICSL laboratory as part of a predisposition screen in an ostensibly healthy population. It had not been previously curated by ICSL or reported in the Human Gene Mutation Database (HGMD: prior to June 1st, 2018), and was therefore a candidate for classification through an automated scoring system. Utilizing variant allele frequency, disease prevalence and penetrance estimates, and inheritance mode, an automated score was calculated to assess if this variant is too frequent to cause the disease. Based on the score and internal cut-off values, a variant classified as benign is not then subjected to further curation. The score for this variant resulted in a classification of benign for this disease.

Athena Diagnostics
Classification: Likely benign. Last evaluated: 2017-12-08. Review status: criteria provided, single submitter. Criteria: Athena Diagnostics Criteria. Collection method: clinical testing. Allele origin: germline.

Center for Pediatric Genomic Medicine, Children's Mercy Hospital and Clinics
Classification: Likely benign. Last evaluated: 2016-07-13. Review status: criteria provided, single submitter. Criteria: ACMG Guidelines, 2015. Collection method: clinical testing. Allele origin: germline.
ClinVar note: Converted during submission from Likely Benign to Likely benign.

Genetic Services Laboratory, University of Chicago
Classification: Benign. Last evaluated: 2013-02-08. Review status: criteria provided, single submitter. Criteria: ACMG Guidelines, 2007. Collection method: clinical testing. Allele origin: germline. Inheritance: Autosomal recessive inheritance.

Dr. Peter K. Rogan Lab, Western University
No classification provided (evidence only). Condition: Acute myeloid leukemia. Review status: no classification provided. Collection method: in vitro. Allele origin: not applicable. Functional consequence: retained intron. Not counted in ClinVar's aggregate classification.